The following is an entry in ClinVar:

NM_000322.5(PRPH2):c.583C>G (p.Arg195Gly)

Gene: PRPH2 (peripherin 2; minus strand). Cytogenetic location: 6p21.1.
Variant type: single nucleotide variant.
Coding change: c.583C>G on transcript NM_000322.5 (MANE Select); coding-DNA position 583, C replaced by G.
Protein change: p.Arg195Gly; replaces arginine 195 with glycine.
Molecular consequence: missense variant.
Genome position (GRCh38, 1-based): chr6:42,704,610, G>C on the plus strand (C>G on the coding strand, the complement: PRPH2 is on the minus strand). VCF-style: chr6-42704610-G-C. GRCh37 (hg19) VCF-style: chr6-42672348-G-C.
Other names: short protein forms R195G.
Identifiers: ClinVar variation 1175290 (VCV001175290.7), dbSNP rs1322278463, ClinGen allele CA364135884.

ClinVar aggregate classification (germline): Conflicting classifications of pathogenicity. Review status: criteria provided, conflicting classifications (1 of 4 stars). 4 submissions from 4 submitters: Likely pathogenic (2); Uncertain significance (1). 1 of the submissions does not count toward it. Last evaluated 2026-07-28.

Conditions:
PRPH2-related disorder. Also called: PRPH2-related disorders; PRPH2-related condition. Identifiers: MedGen CN239395.
Retinal disorder. Also called: Retinopathies; Retinal Diseases; Retinal disorders; Retinopathy. Identifiers: MedGen C0035309, MONDO:0005283, HP:0000488.

Submissions (4):

Genetics Laboratory, Great Ormond Street Hospital NHS Foundation Trust, North Thames Genomic Laboratory Hub
Classification: Likely pathogenic for Retinal disorders. Last evaluated: 2026-07-28. Review status: criteria provided, single submitter. Criteria: ACGS Best Practice Guidelines for Variant Classification in Rare Disease 2024 v1.2. Collection method: clinical testing. Allele origin: germline. Affected: yes.
Comment: PS4_moderate, PM2_moderate, PM5_moderate

Labcorp Genetics (formerly Invitae), Labcorp
Classification: Uncertain significance for PRPH2-related disorder. Last evaluated: 2023-10-23. Review status: criteria provided, single submitter. Criteria: Invitae Variant Classification Sherloc (09022015). Collection method: clinical testing. Allele origin: germline.
Comment: This sequence change replaces arginine, which is basic and polar, with glycine, which is neutral and non-polar, at codon 195 of the PRPH2 protein (p.Arg195Gly). This variant is not present in population databases (gnomAD no frequency). This missense change has been observed in individuals with clinical features of PRPH2-related conditions (PMID: 22183351; Invitae). ClinVar contains an entry for this variant (Variation ID: 1175290). An algorithm developed to predict the effect of missense changes on protein structure and function (PolyPhen-2) suggests that this variant is likely to be disruptive. This variant disrupts the p.Arg195 amino acid residue in PRPH2. Other variant(s) that disrupt this residue have been determined to be pathogenic (PMID: 14557183, 20213611, 26796962). This suggests that this residue is clinically significant, and that variants that disrupt this residue are likely to be disease-causing. In summary, the available evidence is currently insufficient to determine the role of this variant in disease. Therefore, it has been classified as a Variant of Uncertain Significance.

Blueprint Genetics
Classification: Likely pathogenic for PRPH2-related disorders. Last evaluated: 2023-07-07. Review status: criteria provided, single submitter. Criteria: ACMG Guidelines, 2015. Collection method: clinical testing. Allele origin: germline. Affected: yes. Observed: 1 variant allele.

Leiden Open Variation Database
Classification: Likely pathogenic. Last evaluated: 2021-04-06. Review status: no assertion criteria provided. Collection method: curation. Allele origin: germline. Affected: yes. Not counted in ClinVar's aggregate classification.
Comment: Curator: Global Variome, with Curator vacancy. Submitter to LOVD: Manon Peeters.

Literature cited by the submitters: PubMed 22183351 (cited by Labcorp Genetics (formerly Invitae), Labcorp and Leiden Open Variation Database); PubMed 14557183 (cited by Labcorp Genetics (formerly Invitae), Labcorp); PubMed 20213611 (cited by Labcorp Genetics (formerly Invitae), Labcorp); PubMed 26796962 (cited by Labcorp Genetics (formerly Invitae), Labcorp).